The following is an entry in ClinVar:

ClinVar aggregate classification (germline): Benign. Review status: reviewed by expert panel (3 of 4 stars). 13 submissions from 13 submitters: Benign (1). 12 of the submissions do not count toward it. Last evaluated 2015-01-12.

Conditions:
Hereditary cancer-predisposing syndrome. Also called: Neoplastic Syndromes, Hereditary; Tumor predisposition; Hereditary neoplastic syndrome; Hereditary Cancer Syndrome. Identifiers: Orphanet 140162, MedGen C0027672, MeSH D009386, MONDO:0015356.
Hereditary breast ovarian cancer syndrome. Also called: Hereditary breast and/or ovarian cancer syndrome; Breast and ovarian cancer; BRCA1- and BRCA2-Associated Hereditary Breast and Ovarian Cancer; Hereditary breast and ovarian cancer syndrome (HBOC); Hereditary breast and ovarian cancer syndrome; Hereditary breast and ovarian cancer. Identifiers: Orphanet 145, MedGen C0677776, MeSH D061325, MONDO:0003582. Disease mechanism: loss of function.
Breast-ovarian cancer, familial, susceptibility to, 2 (BROVCA2). Also called: BRCA2 Hereditary Breast and Ovarian Cancer. Identifiers: Orphanet 145, MedGen C2675520, MONDO:0012933, OMIM 612555. Disease mechanism: loss of function.

Allele frequency attached by ClinVar (database versions not stated): gnomAD exomes 0.00064 and 0.00187; ExAC 0.00237; gnomAD 0.00716 and 0.00765; ESP Exome Variant Server 0.00754; TOPMed 0.00796; 1000 Genomes Project 0.00899; 1000 Genomes Project 30x 0.00984.
gnomAD v4.1: 2,052 of 1,605,382 alleles (0.13%); highest among the groups gnomAD compares: African/African-American, 2.4%; 25 homozygotes.

Submissions (13):

Evidence-based Network for the Interpretation of Germline Mutant Alleles (ENIGMA)
Classification: Benign for Breast-ovarian cancer, familial 2. Last evaluated: 2015-01-12. Review status: reviewed by expert panel. Criteria: ENIGMA BRCA1/2 Classification Criteria (2015). Collection method: curation. Allele origin: germline.
Comment: Class 1 not pathogenic based on frequency >1% in an outbred sampleset. Frequency 0.03252 (African), derived from 1000 genomes (2012-04-30).

Center for Genomic Medicine, Rigshospitalet, Copenhagen University Hospital
Classification: Benign. Last evaluated: 2025-03-04. Review status: criteria provided, single submitter. Criteria: ACMG Guidelines, 2015. Collection method: clinical testing. Allele origin: germline. Not counted in ClinVar's aggregate classification.

KCCC/NGS Laboratory, Kuwait Cancer Control Center
Classification: Benign for Breast-ovarian cancer, familial, susceptibility to, 2. Last evaluated: 2023-07-07. Review status: criteria provided, single submitter. Criteria: ACMG Guidelines, 2015. Collection method: clinical testing. Allele origin: germline. Affected: yes. Not counted in ClinVar's aggregate classification.

National Health Laboratory Service, Universitas Academic Hospital and University of the Free State
Classification: Benign for Hereditary breast ovarian cancer syndrome. Last evaluated: 2021-11-16. Review status: criteria provided, single submitter. Criteria: ACMG Guidelines, 2015. Collection method: clinical testing. Allele origin: germline. Affected: yes. Observed: 4 variant alleles. Not counted in ClinVar's aggregate classification.

ARUP Laboratories, Molecular Genetics and Genomics, ARUP Laboratories
Classification: Benign. Last evaluated: 2020-03-05. Review status: criteria provided, single submitter. Criteria: ARUP Molecular Germline Variant Investigation Process. Collection method: clinical testing. Allele origin: germline. Not counted in ClinVar's aggregate classification.

Genome Diagnostics Laboratory, University Medical Center Utrecht
Classification: Benign for Breast-ovarian cancer, familial, susceptibility to, 2. Last evaluated: 2017-07-28. Review status: criteria provided, single submitter. Criteria: ACGS Guidelines, 2013. Collection method: clinical testing. Allele origin: germline. Affected: yes. Study: VKGL Data-share Consensus. Not counted in ClinVar's aggregate classification.

Institute for Biomarker Research, Medical Diagnostic Laboratories, L.L.C.
Classification: Likely benign for Hereditary cancer-predisposing syndrome. Last evaluated: 2017-07-12. Review status: criteria provided, single submitter. Criteria: ACMG Guidelines, 2015. Collection method: clinical testing. Allele origin: germline. Not counted in ClinVar's aggregate classification.

Molecular Genetics Laboratory, University of Michigan
Classification: Benign for Breast-ovarian cancer, familial, susceptibility to, 2. Last evaluated: 2016-04-21. Review status: criteria provided, single submitter. Criteria: ACMG Guidelines, 2015. Collection method: clinical testing. Allele origin: germline. Affected: yes. Not counted in ClinVar's aggregate classification.

Clinical Genetics DNA and cytogenetics Diagnostics Lab, Erasmus MC, Erasmus Medical Center
Classification: Benign for Breast-ovarian cancer, familial, susceptibility to, 2. Last evaluated: 2015-09-21. Review status: criteria provided, single submitter. Criteria: ACGS Guidelines, 2013. Collection method: clinical testing. Allele origin: germline. Affected: yes. Study: VKGL Data-share Consensus. Not counted in ClinVar's aggregate classification.

GeneDx
Classification: Benign. Last evaluated: 2015-03-03. Review status: criteria provided, single submitter. Criteria: GeneDx Variant Classification Process June 2021. Collection method: clinical testing. Allele origin: germline. Affected: yes. Not counted in ClinVar's aggregate classification.

Breakthrough Genomics
Classification: Benign. Review status: criteria provided, single submitter. Criteria: ACMG Guidelines, 2015. Collection method: not provided. Allele origin: germline. Inheritance: Autosomal recessive inheritance. Affected: yes. Not counted in ClinVar's aggregate classification.

Clinical Genetics Laboratory, Department of Pathology, Netherlands Cancer Institute
Classification: Benign. Review status: no assertion criteria provided. Collection method: clinical testing. Allele origin: germline. Affected: yes. Study: VKGL Data-share Consensus. Not counted in ClinVar's aggregate classification.

Joint Genome Diagnostic Labs from Nijmegen and Maastricht, Radboudumc and MUMC+
Classification: Benign. Review status: no assertion criteria provided. Collection method: clinical testing. Allele origin: germline. Affected: yes. Study: VKGL Data-share Consensus. Not counted in ClinVar's aggregate classification.

Literature cited by the submitters: DOI 10.3389/fgene.2022.834265 (cited by National Health Laboratory Service, Universitas Academic Hospital and University of the Free State).

NM_000059.4(BRCA2):c.516+21A>T

Gene: BRCA2 (BRCA2 DNA repair associated; plus strand). Cytogenetic location: 13q13.1.
Variant type: single nucleotide variant.
Coding change: c.516+21A>T on transcript NM_000059.4 (MANE Select); 21 bases into the intron after coding-DNA position 516, A replaced by T.
Molecular consequence: intron variant.
Genome position (GRCh38, 1-based): chr13:32,326,303, A>T. VCF-style: chr13-32326303-A-T. GRCh37 (hg19) VCF-style: chr13-32900440-A-T.
Other names: IVS 6+21A>T.
Identifiers: ClinVar variation 188424 (VCV000188424.44), dbSNP rs11571622, ClinGen allele CA021487.